The following is an entry in ClinVar:

ClinVar aggregate classification (germline): Uncertain significance. Review status: criteria provided, multiple submitters, no conflicts (2 of 4 stars). 2 submissions from 2 submitters: Uncertain significance (2). Last evaluated 2026-01-14.

Allele frequency attached by ClinVar (database versions not stated): gnomAD exomes 0.00010; ExAC 0.00012; TOPMed 0.00012; gnomAD 0.00014.
gnomAD v4.1: 172 of 1,613,648 alleles (0.011%); highest among the groups gnomAD compares: Middle Eastern, 0.016%; no homozygotes.

Submissions (2):

Labcorp Genetics (formerly Invitae), Labcorp
Classification: Uncertain significance. Last evaluated: 2026-01-14. Review status: criteria provided, single submitter. Criteria: Invitae Variant Classification Sherloc (09022015). Collection method: clinical testing. Allele origin: germline.
Comment: This sequence change replaces arginine, which is basic and polar, with histidine, which is basic and polar, at codon 1788 of the FBN3 protein (p.Arg1788His). This variant is present in population databases (rs769378514, gnomAD 0.04%). This variant has not been reported in the literature in individuals affected with FBN3-related conditions. ClinVar contains an entry for this variant (Variation ID: 2191959). Invitae Evidence Modeling of protein sequence and biophysical properties (such as structural, functional, and spatial information, amino acid conservation, physicochemical variation, residue mobility, and thermodynamic stability) indicates that this missense variant is not expected to disrupt FBN3 protein function with a negative predictive value of 80%. In summary, the available evidence is currently insufficient to determine the role of this variant in disease. Therefore, it has been classified as a Variant of Uncertain Significance.

Ambry Genetics
Classification: Uncertain significance. Last evaluated: 2025-02-01. Review status: criteria provided, single submitter. Criteria: Ambry Variant Classification Scheme 2023. Collection method: clinical testing. Allele origin: germline.

NM_032447.5(FBN3):c.5363G>A (p.Arg1788His)

Gene: FBN3 (fibrillin 3; minus strand). Cytogenetic location: 19p13.2.
Variant type: single nucleotide variant.
Coding change: c.5363G>A on transcript NM_032447.5 (MANE Select); coding-DNA position 5363, G replaced by A.
Protein change: p.Arg1788His; replaces arginine 1788 with histidine.
Molecular consequence: missense variant.
Genome position (GRCh38, 1-based): chr19:8,096,931, C>T on the plus strand (G>A on the coding strand, the complement: FBN3 is on the minus strand). VCF-style: chr19-8096931-C-T. GRCh37 (hg19) VCF-style: chr19-8161815-C-T.
Other names: c.5363G>A, p.Arg1788His (NM_001321431.2); c.5363G>A (NM_032447.3); short protein forms R1788H.
Identifiers: ClinVar variation 2191959 (VCV002191959.5), dbSNP rs769378514, ClinGen allele CA9151689.